The following is an entry in ClinVar:

NM_004817.4(TJP2):c.519C>G (p.Asp173Glu)

Gene: TJP2 (tight junction protein 2; plus strand). Cytogenetic location: 9q21.11.
Variant type: single nucleotide variant.
Coding change: c.519C>G on transcript NM_004817.4 (MANE Select); coding-DNA position 519, C replaced by G.
Protein change: p.Asp173Glu; replaces aspartic acid 173 with glutamic acid.
Molecular consequence: missense variant.
Genome position (GRCh38, 1-based): chr9:69,221,063, C>G. VCF-style: chr9-69221063-C-G. GRCh37 (hg19) VCF-style: chr9-71835979-C-G.
Other names: c.450C>G, p.Asp150Glu (NM_001170414.2, NM_001369870.1, NM_001369871.1); c.531C>G, p.Asp177Glu (NM_001170415.1, NM_001369874.1, NM_001369875.1); c.612C>G, p.Asp204Glu (NM_001170416.2); c.519C>G, p.Asp173Glu (NM_001369872.1, NM_001369873.1, NM_201629.3); short protein forms D150E, D173E, D177E, D204E.
Identifiers: ClinVar variation 3347594 (VCV003347594.1).

ClinVar aggregate classification (germline): Uncertain significance (0 of 4 stars; one submission).

Conditions:
TJP2-related disorder. Also called: TJP2-related condition.

gnomAD v4.1: 4 of 1,598,916 alleles (0.00025%); highest among the groups gnomAD compares: Non-Finnish European, 0.00034%; no homozygotes.

Submission:

PreventionGenetics, part of Exact Sciences
Classification: Uncertain significance for TJP2-related condition. Last evaluated: 2024-04-17. Review status: no assertion criteria provided. Collection method: clinical testing. Allele origin: germline.
Comment: The TJP2 c.519C>G variant is predicted to result in the amino acid substitution p.Asp173Glu. To our knowledge, this variant has not been reported in the literature or in a large population database, indicating this variant is rare. At this time, the clinical significance of this variant is uncertain due to the absence of conclusive functional and genetic evidence.